The following is an entry in ClinVar:

NM_021930.6(RINT1):c.2285C>A (p.Ala762Glu)

Genes: EFCAB10 (EF-hand calcium binding domain 10; minus strand), RINT1 (RAD50 interactor 1; plus strand). Cytogenetic location: 7q22.3.
Variant type: single nucleotide variant.
Coding change: c.2285C>A on transcript NM_021930.6 (MANE Select); coding-DNA position 2285, C replaced by A.
Protein change: p.Ala762Glu; replaces alanine 762 with glutamic acid.
Molecular consequence: missense variant. On other transcripts: non-coding transcript variant (1), intron variant (3), 3 prime UTR variant (2).
Genome position (GRCh38, 1-based): chr7:105,567,217, C>A. VCF-style: chr7-105567217-C-A. GRCh37 (hg19) VCF-style: chr7-105207664-C-A.
Other names: c.360-1770G>T (NM_001355531.2); c.383+250G>T (NM_001355526.2, NM_001355530.2); c.*237G>T (NM_001355527.2, NM_001355529.2); c.2051C>A, p.Ala684Glu (NM_001346599.2); c.1262C>A, p.Ala421Glu (NM_001346600.2, NM_001346603.2); c.1361C>A, p.Ala454Glu (NM_001346601.2); short protein forms A421E, A684E, A762E, A454E.
Identifiers: ClinVar variation 4841714 (VCV004841714.1).

ClinVar aggregate classification (germline): Uncertain significance (1 of 4 stars; one submission).

Submission:

Ambry Genetics
Classification: Uncertain significance. Last evaluated: 2025-12-17. Review status: criteria provided, single submitter. Criteria: Ambry Variant Classification Scheme 2023. Collection method: clinical testing. Allele origin: germline.
Comment: The p.A762E variant (also known as c.2285C>A), located in coding exon 15 of the RINT1 gene, results from a C to A substitution at nucleotide position 2285. The alanine at codon 762 is replaced by glutamic acid, an amino acid with dissimilar properties. This amino acid position is conserved. In addition, this alteration is predicted to be tolerated by in silico analysis. Based on the available evidence, the clinical significance of this variant remains unclear.